The following is an entry in ClinVar:

NM_000270.4(PNP):c.331del (p.Leu111fs)

Gene: PNP (purine nucleoside phosphorylase; plus strand). Cytogenetic location: 14q11.2.
Variant type: Deletion.
Coding change: c.331del on transcript NM_000270.4 (MANE Select); coding-DNA position 331, one base deleted (C; older notation c.331delC).
Protein change: p.Leu111fs; shifts the reading frame from leucine 111.
Molecular consequence: frameshift variant.
Genome position (GRCh38, 1-based): chr14:20,474,818, C deleted; the last of 3 consecutive C bases (chr14:20,474,816-20,474,818); deleting any one gives the same sequence. VCF-style (leftmost placement, unchanged base first): chr14-20474815-AC-A. GRCh37 (hg19) VCF-style: chr14-20942974-AC-A.
Other names: c.331delC, p.Leu111Trpfs (NM_000270.3); short protein forms L111fs.
Identifiers: ClinVar variation 2443221 (VCV002443221.2), dbSNP rs2501834109, ClinGen allele CA2580087801.

ClinVar aggregate classification (germline): Likely pathogenic (0 of 4 stars; one submission).

Submission:

Genetic Services Laboratory, University of Chicago
Classification: Likely pathogenic. Last evaluated: 2022-08-08. Review status: no assertion criteria provided. Collection method: clinical testing. Allele origin: germline. Affected: yes.
Comment: DNA sequence analysis of the PNP gene demonstrated a single base pair deletion in exon 4, c.331del. This sequence change results in an amino acid frameshift and creates a premature stop codon an amino acid downstream of the change, p.Leu111Trpfs*2. This sequence change is predicted to result in an abnormal transcript, which may be degraded, or may lead to the production of a truncated PNP protein with potentially abnormal function. While this deletion has not previously been described in the literature, loss of function variants in the PNP gene have been described in several individuals with PNP-related disorders (PMID: 24767876, 9067751). The c.331del sequence change has not been described in population databases such as ExAC and gnomAD. These collective evidences indicate that this sequence change is likely pathogenic, however functional studies have not been performed to prove this conclusively.